The following is an entry in ClinVar:

ClinVar aggregate classification (germline): Conflicting classifications of pathogenicity. Review status: criteria provided, conflicting classifications (1 of 4 stars). 6 submissions from 6 submitters: Uncertain significance (1); Likely benign (3). 2 of the submissions do not count toward it. Last evaluated 2026-01-24.

Conditions:
POMGNT1-related disorder. Also called: POMGNT1-related condition; POMGNT1-related disorders. Identifiers: MedGen CN239299.
Muscular dystrophy-dystroglycanopathy (congenital with impaired intellectual development), type B, 3. Also called: MUSCULAR DYSTROPHY, CONGENITAL, POMGNT1-RELATED; Muscular dystrophy-dystroglycanopathy (congenital with intellectual disability), type B3. Identifiers: MedGen C3150412, MONDO:0013155, OMIM 613151.
Autosomal recessive limb-girdle muscular dystrophy type 2O. Also called: Limb-Girdle Muscular Dystrophy Type 3C; MUSCULAR DYSTROPHY-DYSTROGLYCANOPATHY (LIMB-GIRDLE), TYPE C, 3; MUSCULAR DYSTROPHY-DYSTROGLYCANOPATHY, LIMB-GIRDLE, POMGNT1-RELATED. Identifiers: Orphanet 206564, MedGen C3150417, MONDO:0013161, OMIM 613157.
Muscle eye brain disease (MEB). Also called: Santavuori congenital muscular dystrophy. Identifiers: Orphanet 588, Orphanet 899, MedGen C0457133, MONDO:0018939.

Allele frequency attached by ClinVar (database versions not stated): gnomAD exomes 0.00004 and 0.00009; ExAC 0.00014; TOPMed 0.00023; gnomAD 0.00030 and 0.00033; 1000 Genomes Project 30x 0.00031; 1000 Genomes Project 0.00040; ESP Exome Variant Server 0.00062.
gnomAD v4.1: 104 of 1,614,140 alleles (0.0064%); highest among the groups gnomAD compares: African/African-American, 0.092%; 1 homozygote.

Submissions (6):

Labcorp Genetics (formerly Invitae), Labcorp
Classification: Likely benign for Autosomal recessive limb-girdle muscular dystrophy type 2O; Muscular dystrophy-dystroglycanopathy (congenital with impaired intellectual development), type B, 3. Last evaluated: 2026-01-24. Review status: criteria provided, single submitter. Criteria: Invitae Variant Classification Sherloc (09022015). Collection method: clinical testing. Allele origin: germline.

Blueprint Genetics
Classification: Likely benign. Last evaluated: 2022-11-04. Review status: criteria provided, single submitter. Criteria: ACMG Guidelines, 2015. Collection method: clinical testing. Allele origin: germline.

GeneDx
Classification: Likely benign. Last evaluated: 2017-05-26. Review status: criteria provided, single submitter. Criteria: GeneDx Variant Classification (06012015). Collection method: clinical testing. Allele origin: germline. Affected: yes.
Comment: This variant is considered likely benign or benign based on one or more of the following criteria: it is a conservative change, it occurs at a poorly conserved position in the protein, it is predicted to be benign by multiple in silico algorithms, and/or has population frequency not consistent with disease.

Eurofins Ntd Llc (ga)
Classification: Uncertain significance. Last evaluated: 2016-04-12. Review status: criteria provided, single submitter. Criteria: EGL Classification Definitions 2015. Collection method: clinical testing. Allele origin: germline. Observed: 4 variant alleles, 4 heterozygotes.

PreventionGenetics, part of Exact Sciences
Classification: Likely benign for POMGNT1-related condition. Last evaluated: 2021-03-22. Review status: no assertion criteria provided. Collection method: clinical testing. Allele origin: germline. Not counted in ClinVar's aggregate classification.
Comment: This variant is classified as likely benign based on ACMG/AMP sequence variant interpretation guidelines (Richards et al. 2015 PMID: 25741868, with internal and published modifications).

Natera, Inc.
Classification: Likely benign for Muscle-eye-brain disease. Last evaluated: 2020-09-16. Review status: no assertion criteria provided. Collection method: clinical testing. Allele origin: germline. Not counted in ClinVar's aggregate classification.

NM_017739.4(POMGNT1):c.549C>T (p.Phe183=)

Genes: POMGNT1 (protein O-linked mannose N-acetylglucosaminyltransferase 1 (beta 1,2-); minus strand), TSPAN1 (tetraspanin 1; plus strand). Cytogenetic location: 1p34.1.
Variant type: single nucleotide variant.
Coding change: c.549C>T on transcript NM_017739.4 (MANE Select); coding-DNA position 549, C replaced by T.
Protein change: p.Phe183=; no amino-acid change (phenylalanine 183 retained).
Molecular consequence: synonymous variant.
Genome position (GRCh38, 1-based): chr1:46,194,947, G>A on the plus strand (C>T on the coding strand, the complement: POMGNT1 is on the minus strand). VCF-style: chr1-46194947-G-A. GRCh37 (hg19) VCF-style: chr1-46660619-G-A.
Other names: c.549C>T, p.Phe183= (NM_001243766.2, NM_001410783.1); c.483C>T, p.Phe161= (NM_001290129.3); c.120C>T, p.Phe40= (NM_001290130.2).
Identifiers: ClinVar variation 198571 (VCV000198571.19), dbSNP rs140724142, ClinGen allele CA247294.